The following is an entry in ClinVar:

ClinVar aggregate classification (germline): Uncertain significance. Review status: criteria provided, multiple submitters, no conflicts (2 of 4 stars). 2 submissions from 2 submitters: Uncertain significance (2). Last evaluated 2026-01-28.

Conditions:
Inborn genetic diseases. Identifiers: MedGen C0950123, MeSH D030342.

Submissions (2):

GeneDx
Classification: Uncertain significance. Last evaluated: 2026-01-28. Review status: criteria provided, single submitter. Criteria: GeneDx Variant Classification Process June 2021. Collection method: clinical testing. Allele origin: germline.
Comment: Not observed at significant frequency in large population cohorts (gnomAD); In silico analysis suggests that this missense variant does not alter protein structure/function; Has not been previously published as pathogenic or benign to our knowledge

Ambry Genetics
Classification: Uncertain significance for Inborn genetic diseases. Last evaluated: 2026-01-20. Review status: criteria provided, single submitter. Criteria: Ambry Variant Classification Scheme 2023. Collection method: clinical testing. Allele origin: germline.

NM_000702.4(ATP1A2):c.802A>G (p.Ile268Val)

Gene: ATP1A2 (ATPase Na+/K+ transporting subunit alpha 2; plus strand). Cytogenetic location: 1q23.2.
Variant type: single nucleotide variant.
Coding change: c.802A>G on transcript NM_000702.4 (MANE Select); coding-DNA position 802, A replaced by G.
Protein change: p.Ile268Val; replaces isoleucine 268 with valine.
Molecular consequence: missense variant.
Genome position (GRCh38, 1-based): chr1:160,127,605, A>G. VCF-style: chr1-160127605-A-G. GRCh37 (hg19) VCF-style: chr1-160097395-A-G.
Other names: short protein forms I268V.
Identifiers: ClinVar variation 4832571 (VCV004832571.2).